The following is an entry in ClinVar:

ClinVar aggregate classification (germline): Uncertain significance (1 of 4 stars; one submission).

Allele frequency attached by ClinVar (database versions not stated): TOPMed below 0.00001; gnomAD 0.00001; 1000 Genomes Project 30x 0.00016; 1000 Genomes Project 0.00020.
gnomAD v4.1: 22 of 1,613,922 alleles (0.0014%); highest among the groups gnomAD compares: East Asian, 0.0022%; no homozygotes.

Submission:

Labcorp Genetics (formerly Invitae), Labcorp
Classification: Uncertain significance. Last evaluated: 2023-11-18. Review status: criteria provided, single submitter. Criteria: Invitae Variant Classification Sherloc (09022015). Collection method: clinical testing. Allele origin: germline.
Comment: This sequence change replaces alanine, which is neutral and non-polar, with threonine, which is neutral and polar, at codon 1286 of the C3 protein (p.Ala1286Thr). This variant is present in population databases (rs556995881, gnomAD 0.006%). This variant has not been reported in the literature in individuals affected with C3-related conditions. Advanced modeling of protein sequence and biophysical properties (such as structural, functional, and spatial information, amino acid conservation, physicochemical variation, residue mobility, and thermodynamic stability) performed at Invitae indicates that this missense variant is not expected to disrupt C3 protein function with a negative predictive value of 80%. In summary, the available evidence is currently insufficient to determine the role of this variant in disease. Therefore, it has been classified as a Variant of Uncertain Significance.

NM_000064.4(C3):c.3856G>A (p.Ala1286Thr)

Gene: C3 (complement C3; minus strand). Cytogenetic location: 19p13.3.
Variant type: single nucleotide variant.
Coding change: c.3856G>A on transcript NM_000064.4 (MANE Select); coding-DNA position 3856, G replaced by A.
Protein change: p.Ala1286Thr; replaces alanine 1286 with threonine.
Molecular consequence: missense variant.
Genome position (GRCh38, 1-based): chr19:6,685,101, C>T on the plus strand (G>A on the coding strand, the complement: C3 is on the minus strand). VCF-style: chr19-6685101-C-T. GRCh37 (hg19) VCF-style: chr19-6685112-C-T.
Other names: short protein forms A1286T.
Identifiers: ClinVar variation 2864361 (VCV002864361.3), dbSNP rs556995881, ClinGen allele CA304775086.